The following is an entry in ClinVar:

NM_001267550.2(TTN):c.57682C>T (p.Arg19228Cys)

Genes: TTN-AS1 (TTN antisense RNA 1; plus strand), TTN (titin; minus strand). Cytogenetic location: 2q31.2.
Variant type: single nucleotide variant.
Coding change: c.57682C>T on transcript NM_001267550.2 (MANE Select); coding-DNA position 57682, C replaced by T.
Protein change: p.Arg19228Cys; replaces arginine 19228 with cysteine.
Molecular consequence: missense variant.
Genome position (GRCh38, 1-based): chr2:178,595,672, G>A on the plus strand (C>T on the coding strand, the complement: TTN is on the minus strand). VCF-style: chr2-178595672-G-A. GRCh37 (hg19) VCF-style: chr2-179460399-G-A.
Other names: c.52759C>T, p.Arg17587Cys (NM_001256850.1); c.30487C>T, p.Arg10163Cys (NM_003319.4); c.49978C>T, p.Arg16660Cys (NM_133378.4); c.30862C>T, p.Arg10288Cys (NM_133432.3); c.31063C>T, p.Arg10355Cys (NM_133437.4); short protein forms R16660C, R19228C, R17587C, R10288C, R10355C, R10163C.
Identifiers: ClinVar variation 598677 (VCV000598677.13), dbSNP rs757820671, ClinGen allele CA1993008.

ClinVar aggregate classification (germline): Conflicting classifications of pathogenicity. Review status: criteria provided, conflicting classifications (1 of 4 stars). 5 submissions from 5 submitters: Uncertain significance (3); Likely benign (2). Last evaluated 2025-04-29.

Allele frequency attached by ClinVar (database versions not stated): gnomAD exomes 0.00001 and 0.00003; ExAC 0.00004; gnomAD 0.00005; TOPMed 0.00005.
gnomAD v4.1: 27 of 1,608,146 alleles (0.0017%); highest among the groups gnomAD compares: African/African-American, 0.017%; no homozygotes.

Submissions (5):

Women's Health and Genetics/Laboratory Corporation of America, LabCorp
Classification: Uncertain significance. Last evaluated: 2025-04-29. Review status: criteria provided, single submitter. Criteria: LabCorp Variant Classification Summary - May 2015. Collection method: clinical testing. Allele origin: germline.

Blueprint Genetics
Classification: Likely benign. Last evaluated: 2024-05-07. Review status: criteria provided, single submitter. Criteria: ACMG Guidelines, 2015. Collection method: clinical testing. Allele origin: germline.

ARUP Laboratories, Molecular Genetics and Genomics, ARUP Laboratories
Classification: Uncertain significance. Last evaluated: 2023-03-28. Review status: criteria provided, single submitter. Criteria: ARUP Molecular Germline Variant Investigation Process 2024. Collection method: clinical testing. Allele origin: germline.
Comment: The TTN c.57682C>T; p.Arg19228Cys variant (rs757820671; ClinVar Variation ID: 598677) is rare in the general population (<0.2% allele frequency in the Genome Aggregation Database) and has not been reported in the medical literature in association with dilated cardiomyopathy (DCM) or other TTN-related disease. The clinical relevance of rare missense variants in this gene, which are identified on average once per individual sequenced in affected populations (Herman 2012), is not well understood. Yet, evidence suggests that the vast majority of such missense variants do not contribute to the clinical outcome of DCM (Begay 2015). Thus, the clinical significance of the p.Arg19228Cys variant cannot be determined with certainty. References: Begay RL et al. Role of Titin Missense Variants in Dilated Cardiomyopathy. J Am Heart Assoc. 2015 Nov 13;4(11). PMID: 26567375. Herman DS et al. Truncations of titin causing dilated cardiomyopathy. N Engl J Med. 2012 Feb 16;366(7):619-28. PMID: 22335739. Linke WA and Hamdani N. Gigantic business: titin properties and function through thick and thin. Circ Res 2014; 114(6): 1052-1068. PMID: 24625729.

GeneDx
Classification: Likely benign. Last evaluated: 2020-06-09. Review status: criteria provided, single submitter. Criteria: GeneDx Variant Classification Process June 2021. Collection method: clinical testing. Allele origin: germline. Affected: yes.

Eurofins Ntd Llc (ga)
Classification: Uncertain significance. Last evaluated: 2018-09-12. Review status: criteria provided, single submitter. Criteria: EGL ClinVar v180209 classification definitions. Collection method: clinical testing. Allele origin: germline. Observed: 1 variant allele, 1 heterozygote.